The following is an entry in ClinVar:

ClinVar aggregate classification (germline): Uncertain significance (1 of 4 stars; one submission).

Conditions:
Mucopolysaccharidosis type 1. Also called: Mucopolysaccharidosis Type I; IDUA deficiency; MPS I. Identifiers: Orphanet 579, MedGen C0023786, MONDO:0001586.

Submission:

Labcorp Genetics (formerly Invitae), Labcorp
Classification: Uncertain significance for Mucopolysaccharidosis type 1. Last evaluated: 2025-04-21. Review status: criteria provided, single submitter. Criteria: Invitae Variant Classification Sherloc (09022015). Collection method: clinical testing. Allele origin: germline.
Comment: This variant, c.1186_1188del, results in the deletion of 1 amino acid(s) of the IDUA protein (p.Leu396del), but otherwise preserves the integrity of the reading frame. This variant is not present in population databases (gnomAD no frequency). This variant has not been reported in the literature in individuals affected with IDUA-related conditions. Experimental studies and prediction algorithms are not available or were not evaluated, and the functional significance of this variant is currently unknown. In summary, the available evidence is currently insufficient to determine the role of this variant in disease. Therefore, it has been classified as a Variant of Uncertain Significance.

NM_000203.5(IDUA):c.1183CTG[1] (p.Leu396del)

Gene: IDUA (alpha-L-iduronidase; plus strand). Cytogenetic location: 4p16.3.
Variant type: Microsatellite.
Coding change: c.1183CTG[1] on transcript NM_000203.5 (MANE Select); one copy of the 3-base unit CTG starting at c.1183; the reference has two copies in a row; one copy, 3 bases deleted.
Protein change: p.Leu396del; deletes leucine 396.
Molecular consequence: inframe deletion. On other transcripts: non-coding transcript variant (1).
Genome position (GRCh38, 1-based): chr4:1,002,482-1,002,484, CTG deleted; deleting any 3 consecutive bases within chr4:1,002,478-1,002,484 gives the same sequence; the position shown is the placement nearest the transcript's 3' end. VCF-style (leftmost placement, unchanged base first): chr4-1002477-CGCT-C. GRCh37 (hg19) VCF-style: chr4-996265-CGCT-C.
Other names: c.787CTG[1], p.Leu264del (NM_001363576.1); short protein forms L396del, L264del.
Identifiers: ClinVar variation 2184677 (VCV002184677.4), dbSNP rs1715154882, ClinGen allele CA1433069602.